The following is an entry in ClinVar:

ClinVar aggregate classification (germline): Uncertain significance (1 of 4 stars; one submission).

Conditions:
Severe combined immunodeficiency due to LCK deficiency. Also called: Immunodeficiency 22. Identifiers: Orphanet 280142, MedGen C4014233, MONDO:0014334, OMIM 615758.

Submission:

Labcorp Genetics (formerly Invitae), Labcorp
Classification: Uncertain significance for Severe combined immunodeficiency due to LCK deficiency. Last evaluated: 2022-07-17. Review status: criteria provided, single submitter. Criteria: Invitae Variant Classification Sherloc (09022015). Collection method: clinical testing. Allele origin: germline.
Comment: This variant is not present in population databases (gnomAD no frequency). This sequence change replaces glutamine, which is neutral and polar, with lysine, which is basic and polar, at codon 504 of the LCK protein (p.Gln504Lys). This variant has not been reported in the literature in individuals affected with LCK-related conditions. Algorithms developed to predict the effect of missense changes on protein structure and function (SIFT, PolyPhen-2, Align-GVGD) all suggest that this variant is likely to be tolerated. Algorithms developed to predict the effect of sequence changes on RNA splicing suggest that this variant may create or strengthen a splice site. In summary, the available evidence is currently insufficient to determine the role of this variant in disease. Therefore, it has been classified as a Variant of Uncertain Significance.

NM_005356.5(LCK):c.1510C>A (p.Gln504Lys)

Gene: LCK (LCK proto-oncogene, Src family tyrosine kinase; plus strand). Cytogenetic location: 1p35.2.
Variant type: single nucleotide variant.
Coding change: c.1510C>A on transcript NM_005356.5 (MANE Select); coding-DNA position 1510, C replaced by A.
Protein change: p.Gln504Lys; replaces glutamine 504 with lysine.
Molecular consequence: missense variant.
Genome position (GRCh38, 1-based): chr1:32,285,696, C>A. VCF-style: chr1-32285696-C-A. GRCh37 (hg19) VCF-style: chr1-32751297-C-A.
Other names: c.1510C>A, p.Gln504Lys (NM_001042771.3); c.1357C>A, p.Gln453Lys (NM_001330468.2); short protein forms Q453K, Q504K.
Identifiers: ClinVar variation 1717282 (VCV001717282.5), dbSNP rs2521749818, ClinGen allele CA339644309.
Genomic context (GRCh38, chr1:32,285,696, plus strand): 5'-CGGCCCACCTTTGACTACCTGCGCAGTGTGCTGGAGGACTTCTTCACGGCCACAGAGGGC[C>A]AGTACCAGCCTCAGCCTTGAGAGGCCTTGAGAGGCCCTGGGGTTCTCCCCCTTTCTCTCC-3'
Protein context (NP_005347.3, residues 494-509): LEDFFTATEG[Gln504Lys]YQPQP